The following is an entry in ClinVar:

NM_000044.6(AR):c.1757G>A (p.Arg586Lys)

Gene: AR (androgen receptor; plus strand). Cytogenetic location: Xq12.
Variant type: single nucleotide variant.
Coding change: c.1757G>A on transcript NM_000044.6 (MANE Select); coding-DNA position 1757, G replaced by A.
Protein change: p.Arg586Lys; replaces arginine 586 with lysine.
Molecular consequence: missense variant. On other transcripts: intron variant (1).
Genome position (GRCh38, 1-based): chrX:67,643,396, G>A. VCF-style: chrX-67643396-G-A. GRCh37 (hg19) VCF-style: chrX-66863238-G-A.
Other names: c.161G>A, p.Arg54Lys (NM_001011645.3); c.1757G>A, p.Arg586Lys (NM_001348061.1, NM_001348063.1); c.1617-42545G>A (NM_001348064.1); short protein forms R54K, R586K.
Identifiers: ClinVar variation 3759645 (VCV003759645.2).

ClinVar aggregate classification (germline): Likely pathogenic (1 of 4 stars; one submission).

Conditions:
Kennedy disease (SMAX1). Also called: SPINAL AND BULBAR MUSCULAR ATROPHY, X-LINKED 1; KENNEDY SPINAL AND BULBAR MUSCULAR ATROPHY; Spinal and Bulbar Muscular Atrophy. Identifiers: Orphanet 481, MedGen C1839259, MONDO:0010735, OMIM 313200.
Androgen resistance syndrome (AIS). Also called: ANDROGEN RECEPTOR DEFICIENCY; DIHYDROTESTOSTERONE RECEPTOR DEFICIENCY; TESTICULAR FEMINIZATION SYNDROME; Androgen insensitivity syndrome; Androgen insensitivity; DHTR DEFICIENCY. Identifiers: Orphanet 754, Orphanet 99429, MedGen C0039585, MONDO:0019154, OMIM 300068. Disease mechanism: loss of function.

Submission:

Labcorp Genetics (formerly Invitae), Labcorp
Classification: Likely pathogenic for Kennedy disease; Androgen resistance syndrome. Last evaluated: 2024-02-28. Review status: criteria provided, single submitter. Criteria: Invitae Variant Classification Sherloc (09022015). Collection method: clinical testing. Allele origin: germline.
Comment: This sequence change replaces arginine, which is basic and polar, with lysine, which is basic and polar, at codon 586 of the AR protein (p.Arg586Lys). This variant is not present in population databases (gnomAD no frequency). This missense change has been observed in individual(s) with androgen insensitivity syndrome (PMID: 8240973; Invitae). This variant is also known as p.Arg585lys. Advanced modeling of protein sequence and biophysical properties (such as structural, functional, and spatial information, amino acid conservation, physicochemical variation, residue mobility, and thermodynamic stability) has been performed at Invitae for this missense variant, however the output from this modeling did not meet the statistical confidence thresholds required to predict the impact of this variant on AR protein function. Experimental studies have shown that this missense change affects AR function (PMID: 9886845, 22328501, 30773341, 33323969). In summary, the currently available evidence indicates that the variant is pathogenic, but additional data are needed to prove that conclusively. Therefore, this variant has been classified as Likely Pathogenic.

Literature cited by the submitters: PubMed 8240973; PubMed 9886845; PubMed 22328501; PubMed 30773341; PubMed 33323969.